The following is an entry in ClinVar:

NM_001199172.2(MGAT5B):c.1767C>T (p.Ile589=)

Gene: MGAT5B (alpha-1,6-mannosylglycoprotein 6-beta-N-acetylglucosaminyltransferase B; plus strand). Cytogenetic location: 17q25.2.
Variant type: single nucleotide variant.
Coding change: c.1767C>T on transcript NM_001199172.2 (MANE Select); coding-DNA position 1767, C replaced by T.
Protein change: p.Ile589=; no amino-acid change (isoleucine 589 retained).
Molecular consequence: synonymous variant.
Genome position (GRCh38, 1-based): chr17:76,940,767, C>T. VCF-style: chr17-76940767-C-T. GRCh37 (hg19) VCF-style: chr17-74936849-C-T.
Other names: c.1761C>T, p.Ile587= (NM_144677.3); c.1794C>T, p.Ile598= (NM_198955.1).
Identifiers: ClinVar variation 2648324 (VCV002648324.24), dbSNP rs35895146, ClinGen allele CA8791878.

ClinVar aggregate classification (germline): Likely benign (1 of 4 stars; one submission).

Allele frequency attached by ClinVar (database versions not stated): 1000 Genomes Project 30x 0.00234; 1000 Genomes Project 0.00300; TOPMed 0.00369; ExAC 0.00394; gnomAD 0.00443; ESP Exome Variant Server 0.00615; gnomAD exomes 0.00615.
gnomAD v4.1: 9,665 of 1,614,130 alleles (0.6%); highest among the groups gnomAD compares: Non-Finnish European, 0.68%; 55 homozygotes.

Submission:

CeGaT Center for Human Genetics Tuebingen
Classification: Likely benign. Last evaluated: 2023-01-01. Review status: criteria provided, single submitter. Criteria: CeGaT Center For Human Genetics Tuebingen Variant Classification Criteria Version 2. Collection method: clinical testing. Allele origin: germline. Affected: yes. Observed: 1 variant allele.
Comment: MGAT5B: BP4, BP7, BS2